The following is an entry in ClinVar:

NM_024306.5(FA2H):c.831C>T (p.Ala277=)

Gene: FA2H (fatty acid 2-hydroxylase; minus strand). Cytogenetic location: 16q23.1.
Variant type: single nucleotide variant.
Coding change: c.831C>T on transcript NM_024306.5 (MANE Select); coding-DNA position 831, C replaced by T.
Protein change: p.Ala277=; no amino-acid change (alanine 277 retained).
Molecular consequence: synonymous variant.
Genome position (GRCh38, 1-based): chr16:74,716,555, G>A on the plus strand (C>T on the coding strand, the complement: FA2H is on the minus strand). VCF-style: chr16-74716555-G-A. GRCh37 (hg19) VCF-style: chr16-74750453-G-A.
Identifiers: ClinVar variation 695897 (VCV000695897.11), dbSNP rs541507213, ClinGen allele CA8170375.

ClinVar aggregate classification (germline): Likely benign. Review status: criteria provided, multiple submitters, no conflicts (2 of 4 stars). 3 submissions from 3 submitters: Likely benign (2). 1 of the submissions does not count toward it. Last evaluated 2025-12-24.

Conditions:
FA2H-related disorder. Also called: FA2H-related condition.
Spastic paraplegia. Identifiers: MedGen C0037772, HP:0001258.

Allele frequency attached by ClinVar (database versions not stated): gnomAD 0.00001; TOPMed 0.00001; gnomAD exomes 0.00005; ExAC 0.00015.
gnomAD v4.1: 73 of 1,601,686 alleles (0.0046%); highest among the groups gnomAD compares: Middle Eastern, 0.099%; no homozygotes.

Submissions (3):

Labcorp Genetics (formerly Invitae), Labcorp
Classification: Likely benign for Spastic paraplegia. Last evaluated: 2025-12-24. Review status: criteria provided, single submitter. Criteria: Invitae Variant Classification Sherloc (09022015). Collection method: clinical testing. Allele origin: germline.

Blueprint Genetics
Classification: Likely benign. Last evaluated: 2024-10-25. Review status: criteria provided, single submitter. Criteria: ACMG Guidelines, 2015. Collection method: clinical testing. Allele origin: germline.

PreventionGenetics, part of Exact Sciences
Classification: Likely benign for FA2H-related condition. Last evaluated: 2019-12-10. Review status: no assertion criteria provided. Collection method: clinical testing. Allele origin: germline. Not counted in ClinVar's aggregate classification.
Comment: This variant is classified as likely benign based on ACMG/AMP sequence variant interpretation guidelines (Richards et al. 2015 PMID: 25741868, with internal and published modifications).